The following is an entry in ClinVar:

ClinVar aggregate classification (germline): Pathogenic (1 of 4 stars; one submission).

Conditions:
Low phospholipid associated cholelithiasis (GBD1). Also called: Gallbladder disease 1; Gallstone cholecystitis. Identifiers: Orphanet 69663, MedGen C2609268, MONDO:0010939, OMIM 600803.

Submission:

Genomenon, Inc
Classification: Pathogenic for Low phospholipid associated cholelithiasis. Last evaluated: 2026-04-14. Review status: criteria provided, single submitter. Criteria: Genomenon Sequence Variant Interpretation Standards - Updated. Collection method: curation. Allele origin: germline. Affected: yes.
Comment: ABCB4 p.Ser1176Ter (c.3527C>G) is a nonsense variant that introduces a premature stop codon at amino acid position 1176, creating a truncated protein that is predicted to undergo nonsense-mediated mRNA decay. This variant has been observed in at least one proband with an ABCB4-related disorder (PMID:32650689). The variant was found to segregate with disease in at least one affected family (PMID:32650689). It is absent or not present at a significant frequency in gnomAD. In conclusion, we classify ABCB4 p.Ser1176Ter (c.3527C>G) as a pathogenic variant.

Literature cited by the submitters: PubMed 32650689.

NM_000443.4(ABCB4):c.3527C>G (p.Ser1176Ter)

Gene: ABCB4 (ATP binding cassette subfamily B member 4; minus strand). Cytogenetic location: 7q21.12.
Variant type: single nucleotide variant.
Coding change: c.3527C>G on transcript NM_000443.4 (MANE Select); coding-DNA position 3527, C replaced by G.
Protein change: p.Ser1176Ter; replaces serine 1176 with a stop codon.
Molecular consequence: nonsense.
Genome position (GRCh38, 1-based): chr7:87,403,241, G>C on the plus strand (C>G on the coding strand, the complement: ABCB4 is on the minus strand). VCF-style: chr7-87403241-G-C. GRCh37 (hg19) VCF-style: chr7-87032557-G-C.
Other names: c.3548C>G, p.Ser1183Ter (NM_018849.3); c.3386C>G, p.Ser1129Ter (NM_018850.3); short protein forms S1129*, S1176*, S1183*.
Identifiers: ClinVar variation 4846616 (VCV004846616.1).